The following is an entry in ClinVar:

NM_000929.3(PLA2G5):c.181G>A (p.Asp61Asn)

Gene: PLA2G5 (phospholipase A2 group V; plus strand). Cytogenetic location: 1p36.13.
Variant type: single nucleotide variant.
Coding change: c.181G>A on transcript NM_000929.3 (MANE Select); coding-DNA position 181, G replaced by A.
Protein change: p.Asp61Asn; replaces aspartic acid 61 with asparagine.
Molecular consequence: missense variant.
Genome position (GRCh38, 1-based): chr1:20,086,223, G>A. VCF-style: chr1-20086223-G-A. GRCh37 (hg19) VCF-style: chr1-20412716-G-A.
Other names: short protein forms D61N.
Identifiers: ClinVar variation 2202709 (VCV002202709.4), dbSNP rs143614555, ClinGen allele CA658190.

ClinVar aggregate classification (germline): Uncertain significance (1 of 4 stars; one submission).

Allele frequency attached by ClinVar (database versions not stated): gnomAD exomes below 0.00001; ExAC 0.00001; gnomAD 0.00001; TOPMed 0.00002; ESP Exome Variant Server 0.00008.
gnomAD v4.1: 8 of 1,613,988 alleles (0.0005%); highest among the groups gnomAD compares: African/African-American, 0.004%; no homozygotes.

Submission:

Labcorp Genetics (formerly Invitae), Labcorp
Classification: Uncertain significance. Last evaluated: 2025-03-03. Review status: criteria provided, single submitter. Criteria: Invitae Variant Classification Sherloc (09022015). Collection method: clinical testing. Allele origin: germline.
Comment: This sequence change replaces aspartic acid, which is acidic and polar, with asparagine, which is neutral and polar, at codon 61 of the PLA2G5 protein (p.Asp61Asn). This variant is present in population databases (rs143614555, gnomAD 0.007%). This variant has not been reported in the literature in individuals affected with PLA2G5-related conditions. ClinVar contains an entry for this variant (Variation ID: 2202709). An algorithm developed to predict the effect of missense changes on protein structure and function (PolyPhen-2) suggests that this variant is likely to be disruptive. In summary, the available evidence is currently insufficient to determine the role of this variant in disease. Therefore, it has been classified as a Variant of Uncertain Significance.